The following is an entry in ClinVar:

NM_001305581.2(LRMDA):c.253A>G (p.Asn85Asp)

Genes: LRMDA (leucine rich melanocyte differentiation associated; plus strand), LOC110121427 (VISTA enhancer hs1679; plus strand). Cytogenetic location: 10q22.3.
Variant type: single nucleotide variant.
Coding change: c.253A>G on transcript NM_001305581.2 (MANE Select); coding-DNA position 253, A replaced by G.
Protein change: p.Asn85Asp; replaces asparagine 85 with aspartic acid.
Molecular consequence: missense variant. On other transcripts: non-coding transcript variant (1).
Genome position (GRCh38, 1-based): chr10:76,036,129, A>G. VCF-style: chr10-76036129-A-G. GRCh37 (hg19) VCF-style: chr10-77795887-A-G.
Other names: c.169A>G, p.Asn57Asp (NM_032024.5); short protein forms N57D, N85D.
Identifiers: ClinVar variation 1968604 (VCV001968604.5), dbSNP rs1200025028, ClinGen allele CA377400843.
Genomic context (GRCh38, chr10:76,036,129, plus strand): 5'-CTGGGGGACGACCTTGTGTTGCCAGGGTTACCCAGACTGCATACCTTAACCCTCAACAAG[A>G]ACCGAATATCCTTTCCTCTGCCCGCTGCCCCCACTCCCCACCCAGCCCCACAGTCGTCCC-3'
Protein context (NP_001292510.1, residues 75-95): PRLHTLTLNK[Asn85Asp]RITDLENLLD

ClinVar aggregate classification (germline): Uncertain significance (1 of 4 stars; one submission).

Allele frequency attached by ClinVar (database versions not stated): gnomAD exomes below 0.00001; gnomAD 0.00001.
gnomAD v4.1: 3 of 1,613,362 alleles (0.00019%); highest among the groups gnomAD compares: Non-Finnish European, 0.00025%; no homozygotes.

Submission:

Labcorp Genetics (formerly Invitae), Labcorp
Classification: Uncertain significance. Last evaluated: 2022-03-14. Review status: criteria provided, single submitter. Criteria: Invitae Variant Classification Sherloc (09022015). Collection method: clinical testing. Allele origin: germline.
Comment: This sequence change replaces asparagine, which is neutral and polar, with aspartic acid, which is acidic and polar, at codon 57 of the C10orf11 protein (p.Asn57Asp). This variant is present in population databases (no rsID available, gnomAD 0.002%). This variant has not been reported in the literature in individuals affected with C10orf11-related conditions. Algorithms developed to predict the effect of missense changes on protein structure and function are either unavailable or do not agree on the potential impact of this missense change (SIFT: "Deleterious"; PolyPhen-2: "Probably Damaging"; Align-GVGD: "Class C15"). In summary, the available evidence is currently insufficient to determine the role of this variant in disease. Therefore, it has been classified as a Variant of Uncertain Significance.